The following is an entry in ClinVar:

NM_001199138.2(NLRC4):c.430C>G (p.Gln144Glu)

Gene: NLRC4 (NLR family CARD domain containing 4; minus strand). Cytogenetic location: 2p22.3.
Variant type: single nucleotide variant.
Coding change: c.430C>G on transcript NM_001199138.2 (MANE Select); coding-DNA position 430, C replaced by G.
Protein change: p.Gln144Glu; replaces glutamine 144 with glutamic acid.
Molecular consequence: missense variant. On other transcripts: intron variant (1).
Genome position (GRCh38, 1-based): chr2:32,251,434, G>C on the plus strand (C>G on the coding strand, the complement: NLRC4 is on the minus strand). VCF-style: chr2-32251434-G-C. GRCh37 (hg19) VCF-style: chr2-32476503-G-C.
Other names: c.430C>G, p.Gln144Glu (NM_001199139.2, NM_021209.5); c.262+985C>G (NM_001302504.1); short protein forms Q144E.
Identifiers: ClinVar variation 2940874 (VCV002940874.3), dbSNP rs1687076003, ClinGen allele CA346516153.

ClinVar aggregate classification (germline): Uncertain significance (1 of 4 stars; one submission).

Conditions:
Periodic fever-infantile enterocolitis-autoinflammatory syndrome. Also called: Autoinflammation with infantile enterocolitis. Identifiers: Orphanet 436166, MedGen C4015067, MONDO:0014472, OMIM 616050.
Familial cold autoinflammatory syndrome 4 (FCAS4). Identifiers: Orphanet 47045, Orphanet 576349, MedGen C4015276, MONDO:0014498, OMIM 616115.

Allele frequency attached by ClinVar (database versions not stated): TOPMed below 0.00001.

Submission:

Labcorp Genetics (formerly Invitae), Labcorp
Classification: Uncertain significance for Periodic fever-infantile enterocolitis-autoinflammatory syndrome; Familial cold autoinflammatory syndrome 4. Last evaluated: 2023-06-15. Review status: criteria provided, single submitter. Criteria: Invitae Variant Classification Sherloc (09022015). Collection method: clinical testing. Allele origin: germline.
Comment: In summary, the available evidence is currently insufficient to determine the role of this variant in disease. Therefore, it has been classified as a Variant of Uncertain Significance. Advanced modeling of protein sequence and biophysical properties (such as structural, functional, and spatial information, amino acid conservation, physicochemical variation, residue mobility, and thermodynamic stability) performed at Invitae indicates that this missense variant is not expected to disrupt NLRC4 protein function. This variant has not been reported in the literature in individuals affected with NLRC4-related conditions. This variant is not present in population databases (gnomAD no frequency). This sequence change replaces glutamine, which is neutral and polar, with glutamic acid, which is acidic and polar, at codon 144 of the NLRC4 protein (p.Gln144Glu).